The following is an entry in ClinVar:

NM_005235.3(ERBB4):c.3238C>A (p.Pro1080Thr)

Gene: ERBB4 (erb-b2 receptor tyrosine kinase 4; minus strand). Cytogenetic location: 2q34.
Variant type: single nucleotide variant.
Coding change: c.3238C>A on transcript NM_005235.3 (MANE Select); coding-DNA position 3238, C replaced by A.
Protein change: p.Pro1080Thr; replaces proline 1080 with threonine.
Molecular consequence: missense variant.
Genome position (GRCh38, 1-based): chr2:211,387,096, G>T on the plus strand (C>A on the coding strand, the complement: ERBB4 is on the minus strand). VCF-style: chr2-211387096-G-T. GRCh37 (hg19) VCF-style: chr2-212251821-G-T.
Other names: c.3190C>A, p.Pro1064Thr (NM_001042599.2); short protein forms P1080T, P1064T.
Identifiers: ClinVar variation 2781473 (VCV002781473.3), dbSNP rs2062701426, ClinGen allele CA350780911.
Genomic context (GRCh38, chr2:211,387,096, plus strand): 5'-CAGCAGTAGCACCCTGTGCCACAGGAGCTTCTGGAATTGTGCTAGTTGGGGCTCTGTAGG[G>T]CACAGACACTCCTTGTTCAGCAGCAAAACCTCCATCTCGGTATACAAACTGGTTCTGTTA-3'
Protein context (NP_005226.1, residues 1070-1090): GFAAEQGVSV[Pro1080Thr]YRAPTSTIPE

ClinVar aggregate classification (germline): Uncertain significance (1 of 4 stars; one submission).

gnomAD v4.1: 1 of 1,613,834 alleles (0.000062%); highest among the groups gnomAD compares: Non-Finnish European, 0.000085%; no homozygotes.

Submission:

Labcorp Genetics (formerly Invitae), Labcorp
Classification: Uncertain significance. Last evaluated: 2024-11-06. Review status: criteria provided, single submitter. Criteria: Invitae Variant Classification Sherloc (09022015). Collection method: clinical testing. Allele origin: germline.
Comment: This sequence change replaces proline, which is neutral and non-polar, with threonine, which is neutral and polar, at codon 1080 of the ERBB4 protein (p.Pro1080Thr). This variant is not present in population databases (gnomAD no frequency). This variant has not been reported in the literature in individuals affected with ERBB4-related conditions. ClinVar contains an entry for this variant (Variation ID: 2781473). An algorithm developed to predict the effect of missense changes on protein structure and function (PolyPhen-2) suggests that this variant is likely to be tolerated. In summary, the available evidence is currently insufficient to determine the role of this variant in disease. Therefore, it has been classified as a Variant of Uncertain Significance.